The following is an entry in ClinVar:

ClinVar aggregate classification (germline): Uncertain significance (1 of 4 stars; one submission).

Conditions:
Gastrointestinal stromal tumor. Also called: Gastrointestinal stromal tumor, somatic; Gastrointestinal stroma tumor. Identifiers: Orphanet 44890, MedGen C0238198, MeSH D046152, MONDO:0011719, OMIM 606764, HP:0100723.
Pheochromocytoma/paraganglioma syndrome 3. Also called: GLOMUS TUMORS, FAMILIAL, 3; Paragangliomas 3; SDHC-Related Hereditary Paraganglioma-Pheochromocytoma Syndrome (Paragangliomas 3); SDHC-Related Hereditary Paraganglioma-Pheochromocytoma Syndrome. Identifiers: Orphanet 29072, MedGen C1854336, MONDO:0011544, OMIM 605373.

Submission:

Labcorp Genetics (formerly Invitae), Labcorp
Classification: Uncertain significance for Pheochromocytoma/paraganglioma syndrome 3; Gastrointestinal stromal tumor. Last evaluated: 2023-09-11. Review status: criteria provided, single submitter. Criteria: Invitae Variant Classification Sherloc (09022015). Collection method: clinical testing. Allele origin: germline.
Comment: In summary, the available evidence is currently insufficient to determine the role of this variant in disease. Therefore, it has been classified as a Variant of Uncertain Significance. Variants that disrupt the consensus splice site are a relatively common cause of aberrant splicing (PMID: 17576681, 9536098). Algorithms developed to predict the effect of sequence changes on RNA splicing suggest that this variant may disrupt the consensus splice site. This variant has not been reported in the literature in individuals affected with SDHC-related conditions. This variant is not present in population databases (gnomAD no frequency). This sequence change falls in intron 5 of the SDHC gene. It does not directly change the encoded amino acid sequence of the SDHC protein. It affects a nucleotide within the consensus splice site.

Literature cited by the submitters: PubMed 17576681; PubMed 9536098.

NM_003001.5(SDHC):c.405+6T>G

Gene: SDHC (succinate dehydrogenase complex subunit C; plus strand). Cytogenetic location: 1q23.3.
Variant type: single nucleotide variant.
Coding change: c.405+6T>G on transcript NM_003001.5 (MANE Select); 6 bases into the intron after coding-DNA position 405, T replaced by G.
Molecular consequence: intron variant.
Genome position (GRCh38, 1-based): chr1:161,356,846, T>G. VCF-style: chr1-161356846-T-G. GRCh37 (hg19) VCF-style: chr1-161326636-T-G.
Other names: c.294+6T>G (NM_001407119.1, NM_001407120.1); c.525+6T>G (NM_001407115.1); c.242-5483T>G (NM_001035511.3); c.303+6T>G (NM_001035512.3); c.140-5483T>G (NM_001278172.3); c.297+6T>G (NM_001407118.1); c.348+6T>G (NM_001407116.1); c.185-5483T>G (NM_001407121.1); and 2 more.
Identifiers: ClinVar variation 2951850 (VCV002951850.3), dbSNP rs2526538328, ClinGen allele CA2740090399.